The following is an entry in ClinVar:

ClinVar aggregate classification (germline): Pathogenic (1 of 4 stars; one submission).

Conditions:
Developmental and epileptic encephalopathy, 54. Also called: Epileptic encephalopathy, early infantile, 54; HNRNPU-Related Neurodevelopmental Disorder. Identifiers: MedGen C4479319, MONDO:0033363, OMIM 617391.

Submission:

Labcorp Genetics (formerly Invitae), Labcorp
Classification: Pathogenic for Developmental and epileptic encephalopathy, 54. Last evaluated: 2022-08-10. Review status: criteria provided, single submitter. Criteria: Invitae Variant Classification Sherloc (09022015). Collection method: clinical testing. Allele origin: germline.
Comment: This sequence change creates a premature translational stop signal (p.Arg244Glyfs*3) in the HNRNPU gene. It is expected to result in an absent or disrupted protein product. Loss-of-function variants in HNRNPU are known to be pathogenic (PMID: 22678713, 28283832). This variant is not present in population databases (gnomAD no frequency). This variant has not been reported in the literature in individuals affected with HNRNPU-related conditions. For these reasons, this variant has been classified as Pathogenic.

Literature cited by the submitters: PubMed 22678713; PubMed 28283832.

NM_031844.3(HNRNPU):c.730_731del (p.Arg244fs)

Gene: HNRNPU (heterogeneous nuclear ribonucleoprotein U; minus strand). Cytogenetic location: 1q44.
Variant type: Microsatellite.
Coding change: c.730_731del on transcript NM_031844.3 (MANE Select); coding-DNA positions 730 to 731, 2 bases deleted (AG; older notation c.730_731delAG).
Protein change: p.Arg244fs; shifts the reading frame from arginine 244.
Molecular consequence: frameshift variant.
Genome position (GRCh38, 1-based): chr1:244,862,691-244,862,692, CT deleted on the plus strand (AG on the coding strand, the reverse complement: HNRNPU is on the minus strand); deleting any 2 consecutive bases within chr1:244,862,691-244,862,694 gives the same sequence; the c. name uses the placement nearest the transcript's 3' end. VCF-style (leftmost placement, unchanged base first): chr1-244862690-CCT-C. GRCh37 (hg19) VCF-style: chr1-245025992-CCT-C.
Other names: c.673_674del, p.Arg225fs (NM_004501.3); short protein forms R225fs, R244fs.
Identifiers: ClinVar variation 1452212 (VCV001452212.6), dbSNP rs2102989487, ClinGen allele CA2580611581.